The following is an entry in ClinVar:

NM_080680.3(COL11A2):c.5152C>G (p.Leu1718Val)

Gene: COL11A2 (collagen type XI alpha 2 chain; minus strand). Cytogenetic location: 6p21.32.
Variant type: single nucleotide variant.
Coding change: c.5152C>G on transcript NM_080680.3 (MANE Select); coding-DNA position 5152, C replaced by G.
Protein change: p.Leu1718Val; replaces leucine 1718 with valine.
Molecular consequence: missense variant.
Genome position (GRCh38, 1-based): chr6:33,163,737, G>C on the plus strand (C>G on the coding strand, the complement: COL11A2 is on the minus strand). VCF-style: chr6-33163737-G-C. GRCh37 (hg19) VCF-style: chr6-33131514-G-C.
Other names: c.4831C>G, p.Leu1611Val (NM_080679.3); c.4894C>G, p.Leu1632Val (NM_080681.3); short protein forms L1611V, L1632V, L1718V.
Identifiers: ClinVar variation 1184551 (VCV001184551.10), dbSNP rs1413052565, ClinGen allele CA363615492.

ClinVar aggregate classification (germline): Uncertain significance. Review status: criteria provided, multiple submitters, no conflicts (2 of 4 stars). 3 submissions from 3 submitters: Uncertain significance (2). 1 of the submissions does not count toward it. Last evaluated 2022-09-26.

Conditions:
Infantile hypophosphatasia. Identifiers: Orphanet 247651, Orphanet 436, MedGen C0268412, MONDO:1010169, OMIM 241500, MONDO:0009427.

Allele frequency attached by ClinVar (database versions not stated): gnomAD exomes below 0.00001.
gnomAD v4.1: 3 of 1,613,088 alleles (0.00019%); highest among the groups gnomAD compares: Non-Finnish European, 0.00025%; no homozygotes.

Submissions (3):

Labcorp Genetics (formerly Invitae), Labcorp
Classification: Uncertain significance. Last evaluated: 2022-09-26. Review status: criteria provided, single submitter. Criteria: Invitae Variant Classification Sherloc (09022015). Collection method: clinical testing. Allele origin: germline.
Comment: This sequence change replaces leucine, which is neutral and non-polar, with valine, which is neutral and non-polar, at codon 1718 of the COL11A2 protein (p.Leu1718Val). This variant is present in population databases (no rsID available, gnomAD 0.0009%). This variant has not been reported in the literature in individuals affected with COL11A2-related conditions. ClinVar contains an entry for this variant (Variation ID: 1184551). Advanced modeling of protein sequence and biophysical properties (such as structural, functional, and spatial information, amino acid conservation, physicochemical variation, residue mobility, and thermodynamic stability) performed at Invitae indicates that this missense variant is not expected to disrupt COL11A2 protein function. In summary, the available evidence is currently insufficient to determine the role of this variant in disease. Therefore, it has been classified as a Variant of Uncertain Significance.

GeneDx
Classification: Uncertain significance. Last evaluated: 2022-01-18. Review status: criteria provided, single submitter. Criteria: GeneDx Variant Classification Process June 2021. Collection method: clinical testing. Allele origin: germline. Affected: yes.
Comment: Not observed at significant frequency in large population cohorts (gnomAD); In silico analysis, which includes protein predictors and evolutionary conservation, supports that this variant does not alter protein structure/function; Has not been previously published as pathogenic or benign to our knowledge

Genomics England Pilot Project, Genomics England
Classification: Likely pathogenic for Infantile hypophosphatasia. Review status: no assertion criteria provided. Criteria: ACGS Guidelines, 2016. Collection method: clinical testing. Allele origin: germline. Affected: yes. Not counted in ClinVar's aggregate classification.